The following is an entry in ClinVar:

ClinVar aggregate classification (germline): Pathogenic (3 of 4 stars; one submission).

Conditions:
Breast-ovarian cancer, familial, susceptibility to, 1 (BROVCA1). Also called: BRCA1 Hereditary Breast and Ovarian Cancer; OVARIAN CANCER, SUSCEPTIBILITY TO. Identifiers: Orphanet 145, MedGen C2676676, MONDO:0011450, OMIM 604370. Disease mechanism: loss of function.

Submission:

Evidence-based Network for the Interpretation of Germline Mutant Alleles (ENIGMA)
Classification: Pathogenic for Breast-ovarian cancer, familial, susceptibility to, 1. Last evaluated: 2017-12-15. Review status: reviewed by expert panel. Criteria: ENIGMA BRCA1/2 Classification Criteria (2017-06-29). Collection method: curation. Allele origin: germline. Study: ENIGMA.
Comment: Variant allele predicted to encode a truncated non-functional protein.

NM_007294.4(BRCA1):c.1964_1965insG (p.Tyr655Ter)

Gene: BRCA1 (BRCA1 DNA repair associated; minus strand). Cytogenetic location: 17q21.31.
Variant type: Insertion.
Coding change: c.1964_1965insG on transcript NM_007294.4 (MANE Select); coding-DNA positions 1964 to 1965, G inserted.
Protein change: p.Tyr655Ter; replaces tyrosine 655 with a stop codon.
Molecular consequence: nonsense. On other transcripts: intron variant (137).
Genome position: GRCh38 VCF-style: chr17-43093566-G-GC. GRCh37 (hg19) VCF-style: chr17-41245583-G-GC.
Other names: c.1964_1965insG, p.Tyr655Ter (NM_001407622.1, NM_001407623.1, NM_001407624.1 and 30 more transcripts); c.1961_1962insG, p.Tyr654Ter (NM_001407627.1, NM_001407628.1, NM_001407629.1 and 22 more transcripts); c.1955_1956insG, p.Tyr652Ter (NM_001407646.1, NM_001407647.1); c.1841_1842insG, p.Tyr614Ter (NM_001407648.1, NM_001407664.1, NM_001407665.1 and 19 more transcripts); c.1838_1839insG, p.Tyr613Ter (NM_001407649.1, NM_001407670.1, NM_001407671.1 and 11 more transcripts); c.1886_1887insG, p.Tyr629Ter (NM_001407653.1, NM_001407654.1, NM_001407655.1 and 4 more transcripts); c.1883_1884insG, p.Tyr628Ter (NM_001407659.1, NM_001407660.1, NM_001407661.1 and 1 more transcripts); c.1823_1824insG, p.Tyr608Ter (NM_001407692.1, NM_001407694.1, NM_001407695.1 and 29 more transcripts); and 40 more; short protein forms Y608*, Y655*, Y543*, Y588*, Y607*, Y629*, Y544*, Y567*.
Identifiers: ClinVar variation 548297 (VCV000548297.2), dbSNP rs1555590775, ClinGen allele CA658824024.